The following is an entry in ClinVar:

ClinVar aggregate classification (germline): Benign/Likely benign. Review status: criteria provided, multiple submitters, no conflicts (2 of 4 stars). 7 submissions from 6 submitters: Benign (4); Likely benign (2). 1 of the submissions does not count toward it. Last evaluated 2026-02-04.

Conditions:
Distal arthrogryposis type 2B1 (DA2B1). Also called: Arthrogryposis multiplex congenita distal type II with craniofacial abnormalities. Identifiers: Orphanet 1147, MedGen C5193014, MONDO:0020820, OMIM 601680.
Freeman-Sheldon syndrome (DA2A). Also called: CRANIOCARPOTARSAL DYSPLASIA; CRANIOCARPOTARSAL DYSTROPHY; Arthrogryposis, distal, type 2A (Freeman-Sheldon); WHISTLING FACE-WINDMILL VANE HAND SYNDROME. Identifiers: Orphanet 2053, MedGen C0265224, MONDO:0008675, OMIM 193700.

Allele frequency attached by ClinVar (database versions not stated): gnomAD exomes 0.00579 and 0.00724; ExAC 0.00752; gnomAD 0.01237 and 0.01272; 1000 Genomes Project 0.01238; ESP Exome Variant Server 0.01307; 1000 Genomes Project 30x 0.01312; TOPMed 0.01407.
gnomAD v4.1: 10,444 of 1,613,636 alleles (0.65%); highest among the groups gnomAD compares: African/African-American, 2.9%; 84 homozygotes.

Submissions (7):

Labcorp Genetics (formerly Invitae), Labcorp
Classification: Benign. Last evaluated: 2026-02-04. Review status: criteria provided, single submitter. Criteria: Invitae Variant Classification Sherloc (09022015). Collection method: clinical testing. Allele origin: germline.

GeneDx
Classification: Likely benign. Last evaluated: 2021-07-26. Review status: criteria provided, single submitter. Criteria: GeneDx Variant Classification Process June 2021. Collection method: clinical testing. Allele origin: germline. Affected: yes.

Illumina Laboratory Services, Illumina
Classification: Benign for Freeman-Sheldon syndrome. Last evaluated: 2018-01-12. Review status: criteria provided, single submitter. Criteria: ICSL Variant Classification Criteria 13 December 2019. Collection method: clinical testing. Allele origin: germline.
Comment: This variant was observed in the ICSL laboratory as part of a predisposition screen in an ostensibly healthy population. It had not been previously curated by ICSL or reported in the Human Gene Mutation Database (HGMD: prior to June 1st, 2018), and was therefore a candidate for classification through an automated scoring system. Utilizing variant allele frequency, disease prevalence and penetrance estimates, and inheritance mode, an automated score was calculated to assess if this variant is too frequent to cause the disease. Based on the score and internal cut-off values, a variant classified as benign is not then subjected to further curation. The score for this variant resulted in a classification of benign for this disease.

Illumina Laboratory Services, Illumina
Classification: Benign for Distal arthrogryposis type 2B1. Last evaluated: 2018-01-12. Review status: criteria provided, single submitter. Criteria: ICSL Variant Classification Criteria 13 December 2019. Collection method: clinical testing. Allele origin: germline.
Comment: the same text as in the submission from Illumina Laboratory Services, Illumina above.

Breakthrough Genomics
Classification: Likely benign. Review status: criteria provided, single submitter. Criteria: ACMG Guidelines, 2015. Collection method: not provided. Allele origin: germline. Inheritance: Autosomal recessive inheritance. Affected: yes.

PreventionGenetics, part of Exact Sciences
Classification: Benign. Review status: criteria provided, single submitter. Criteria: ACMG Guidelines, 2015. Collection method: clinical testing. Allele origin: germline.

Genetic Services Laboratory, University of Chicago
Classification: Likely benign for AllHighlyPenetrant. Review status: no assertion criteria provided. Collection method: clinical testing. Allele origin: germline. Inheritance: Autosomal dominant inheritance. Not counted in ClinVar's aggregate classification.
Comment: Likely benign based on allele frequency in 1000 Genomes Project or ESP global frequency and its presence in a patient with a rare or unrelated disease phenotype. NOT Sanger confirmed.

NM_002470.4(MYH3):c.699C>T (p.Asn233=)

Gene: MYH3 (myosin heavy chain 3; minus strand). Cytogenetic location: 17p13.1.
Variant type: single nucleotide variant.
Coding change: c.699C>T on transcript NM_002470.4 (MANE Select); coding-DNA position 699, C replaced by T.
Protein change: p.Asn233=; no amino-acid change (asparagine 233 retained).
Molecular consequence: synonymous variant.
Genome position (GRCh38, 1-based): chr17:10,648,593, G>A on the plus strand (C>T on the coding strand, the complement: MYH3 is on the minus strand). VCF-style: chr17-10648593-G-A. GRCh37 (hg19) VCF-style: chr17-10551910-G-A.
Identifiers: ClinVar variation 129666 (VCV000129666.26), dbSNP rs16943604, ClinGen allele CA153808.
Genomic context (GRCh38, chr17:10,648,593, plus strand): 5'-CATCTTAACCAAACTCAGACTCACAAAACGGGAGGAGTTGTCATTCCTCACAGTCTTGGC[G>A]TTCCCAAAGGCCTCCAGCAGGGGATTGGCACTGATGATTTGATCTTCCAGAGTCCCCTAA-3'
Protein context (NP_002461.2, residues 223-243): SANPLLEAFG[Asn233=]AKTVRNDNSS